The following is an entry in ClinVar:

NM_007254.4(PNKP):c.1003G>T (p.Gly335Cys)

Gene: PNKP (polynucleotide kinase 3'-phosphatase; minus strand). Cytogenetic location: 19q13.33.
Variant type: single nucleotide variant.
Coding change: c.1003G>T on transcript NM_007254.4 (MANE Select); coding-DNA position 1003, G replaced by T.
Protein change: p.Gly335Cys; replaces glycine 335 with cysteine.
Molecular consequence: missense variant.
Genome position (GRCh38, 1-based): chr19:49,862,397, C>A on the plus strand (G>T on the coding strand, the complement: PNKP is on the minus strand). VCF-style: chr19-49862397-C-A. GRCh37 (hg19) VCF-style: chr19-50365654-C-A.
Other names: p.G335C:GGC>TGC; short protein forms G335C.
Identifiers: ClinVar variation 206399 (VCV000206399.4), dbSNP rs768567927, ClinGen allele CA316478.

ClinVar aggregate classification (germline): Uncertain significance. Review status: criteria provided, multiple submitters, no conflicts (2 of 4 stars). 3 submissions from 3 submitters: Uncertain significance (3). Last evaluated 2025-10-27.

Conditions:
Microcephaly, seizures, and developmental delay. Identifiers: Orphanet 1934, MedGen C3150667, MONDO:0013254, OMIM 613402.
Ataxia - oculomotor apraxia type 4. Identifiers: Orphanet 459033, MedGen C4225397, MONDO:0014557, OMIM 616267.

Allele frequency attached by ClinVar (database versions not stated): TOPMed 0.00001.
gnomAD v4.1: 9 of 1,559,340 alleles (0.00058%); highest among the groups gnomAD compares: Middle Eastern, 0.018%; no homozygotes.

Submissions (3):

Women's Health and Genetics/Laboratory Corporation of America, LabCorp
Classification: Uncertain significance. Last evaluated: 2025-10-27. Review status: criteria provided, single submitter. Criteria: LabCorp Variant Classification Summary - May 2015. Collection method: clinical testing. Allele origin: germline.
Comment: Variant summary: PNKP c.1003G>T (p.Gly335Cys) results in a non-conservative amino acid change in the encoded protein sequence. Algorithms developed to predict the effect of missense changes on protein structure and function are either unavailable or do not agree on the potential impact of this missense change. The frequency data for this variant in gnomAD is considered unreliable, as metrics indicate poor data quality at this position. To our knowledge, no occurrence of c.1003G>T in individuals affected with PNKP-related conditions and no experimental evidence demonstrating its impact on protein function have been reported. ClinVar contains an entry for this variant (Variation ID: 206399). Based on the evidence outlined above, the variant was classified as uncertain significance.

Fulgent Genetics
Classification: Uncertain significance for Microcephaly, seizures, and developmental delay; Ataxia - oculomotor apraxia type 4. Last evaluated: 2018-10-31. Review status: criteria provided, single submitter. Criteria: ACMG Guidelines, 2015. Collection method: clinical testing. Allele origin: unknown.

GeneDx
Classification: Uncertain significance. Last evaluated: 2013-07-17. Review status: criteria provided, single submitter. Criteria: GeneDx Variant Classification (06012015). Collection method: clinical testing. Allele origin: germline. Affected: yes.
Comment: p.Gly335Cys (GGC>TGC): c.1003 G>T in exon 11 of the PNKP gene (NM_007254.2) The Gly335Cys missense change has not been published as a mutation, nor has it been reported as a benign polymorphism to our knowledge. It was not observed in approximately 6,400 individuals of European and African American ancestry in the NHLBI Exome Sequencing Project, indicating it is not a common benign variant in these populations. The amino acid substitution is non-conservative, as a non-polar Glycine residue is replaced by a polar Cysteine residue, and the gain of a Cysteine may affect disulfide bond formation in the protein. However, it alters a poorly conserved position in the protein, and multiple in silico algorithms predict it may be benign. Therefore, based on the currently available information, it is unclear whether Gly335Cys is a disease-causing mutation or a rare benign variant.The variant is found in EPILEPSY panel(s).